The following is an entry in ClinVar:

ClinVar aggregate classification (germline): Uncertain significance (1 of 4 stars; one submission).

Submission:

Labcorp Genetics (formerly Invitae), Labcorp
Classification: Uncertain significance. Last evaluated: 2021-10-13. Review status: criteria provided, single submitter. Criteria: Invitae Variant Classification Sherloc (09022015). Collection method: clinical testing. Allele origin: germline.
Comment: This variant has not been reported in the literature in individuals affected with CCDC88A-related conditions. This variant is not present in population databases (ExAC no frequency). This sequence change replaces threonine with proline at codon 361 of the CCDC88A protein (p.Thr361Pro). The threonine residue is moderately conserved and there is a small physicochemical difference between threonine and proline. Algorithms developed to predict the effect of missense changes on protein structure and function (SIFT, PolyPhen-2, Align-GVGD) all suggest that this variant is likely to be tolerated. In summary, the available evidence is currently insufficient to determine the role of this variant in disease. Therefore, it has been classified as a Variant of Uncertain Significance.

NM_001365480.1(CCDC88A):c.1081A>C (p.Thr361Pro)

Gene: CCDC88A (coiled-coil and HOOK domain protein 88A; minus strand). Cytogenetic location: 2p16.1.
Variant type: single nucleotide variant.
Coding change: c.1081A>C on transcript NM_001365480.1 (MANE Select); coding-DNA position 1081, A replaced by C.
Protein change: p.Thr361Pro; replaces threonine 361 with proline.
Molecular consequence: missense variant.
Genome position (GRCh38, 1-based): chr2:55,344,475, T>G on the plus strand (A>C on the coding strand, the complement: CCDC88A is on the minus strand). VCF-style: chr2-55344475-T-G. GRCh37 (hg19) VCF-style: chr2-55571611-T-G.
Other names: c.1081A>C, p.Thr361Pro (NM_001135597.2, NM_001254943.2, NM_018084.5); short protein forms T361P.
Identifiers: ClinVar variation 1496638 (VCV001496638.6), dbSNP rs2104723563, ClinGen allele CA346906142.
Genomic context (GRCh38, chr2:55,344,475, plus strand): 5'-CTAATTCATGTAATTTATCAGAACGAGCACGAGTTCCCTCTAGTTGGTCTTCCAACATGG[T>G]TTTTGTTTCTAATAAAACTTGATTGTCTTCTTTTAATTCCTATAAATGTTTATCACAAAT-3'
Protein context (NP_001352409.1, residues 351-371): EDNQVLLETK[Thr361Pro]MLEDQLEGTR